The following is an entry in ClinVar:

ClinVar aggregate classification (germline): Benign/Likely benign. Review status: criteria provided, multiple submitters, no conflicts (2 of 4 stars). 3 submissions from 3 submitters: Benign (1); Likely benign (2). Last evaluated 2024-08-21.

Conditions:
Hereditary cancer-predisposing syndrome. Also called: Tumor predisposition; Neoplastic Syndromes, Hereditary; Hereditary Cancer Syndrome; Hereditary neoplastic syndrome. Identifiers: Orphanet 140162, MedGen C0027672, MeSH D009386, MONDO:0015356.
Fanconi anemia complementation group J. Also called: BRIP1-Related Fanconi Anemia. Identifiers: Orphanet 84, MedGen C1836860, MONDO:0012187, OMIM 609054.
Familial cancer of breast. Also called: BREAST CANCER, FAMILIAL; Hereditary breast cancer; hereditary breast carcinoma. Identifiers: Orphanet 227535, MedGen C0346153, MONDO:0016419, OMIM 114480. Disease mechanism: loss of function.

Submissions (3):

Myriad Genetics, Inc.
Classification: Benign for Familial cancer of breast. Last evaluated: 2024-08-21. Review status: criteria provided, single submitter. Criteria: Myriad Autosomal Dominant, Autosomal Recessive and X-Linked Classification Criteria (2023). Collection method: clinical testing. Allele origin: unknown.
Comment: This variant is considered benign. This variant is a silent/synonymous amino acid change and it is not expected to impact splicing.

Labcorp Genetics (formerly Invitae), Labcorp
Classification: Likely benign for Familial cancer of breast; Fanconi anemia complementation group J. Last evaluated: 2023-08-29. Review status: criteria provided, single submitter. Criteria: Invitae Variant Classification Sherloc (09022015). Collection method: clinical testing. Allele origin: germline.

Ambry Genetics
Classification: Likely benign for Hereditary cancer-predisposing syndrome. Last evaluated: 2015-04-28. Review status: criteria provided, single submitter. Criteria: Ambry Variant Classification Scheme 2023. Collection method: clinical testing. Allele origin: germline.

NM_032043.3(BRIP1):c.372T>C (p.Thr124=)

Gene: BRIP1 (BRCA1 interacting DNA helicase 1; minus strand). Cytogenetic location: 17q23.2.
Variant type: single nucleotide variant.
Coding change: c.372T>C on transcript NM_032043.3 (MANE Select); coding-DNA position 372, T replaced by C.
Protein change: p.Thr124=; no amino-acid change (threonine 124 retained).
Molecular consequence: synonymous variant.
Genome position (GRCh38, 1-based): chr17:61,857,065, A>G on the plus strand (T>C on the coding strand, the complement: BRIP1 is on the minus strand). VCF-style: chr17-61857065-A-G. GRCh37 (hg19) VCF-style: chr17-59934426-A-G.
Identifiers: ClinVar variation 479408 (VCV000479408.15), dbSNP rs1555617785, ClinGen allele CA501151192.
Genomic context (GRCh38, chr17:61,857,065, plus strand): 5'-TAATTAAGACTCTTATTACAGATATCAACTGACCCAGGCAAAATATAAATTACCTTGACA[A>G]GTTGATGAAGTGCCATTTCTTTCAGAAGGTGGTGTGCTTGGATAGTTGAAATGACGTGAA-3'
Protein context (NP_114432.2, residues 114-134): PPSERNGTSS[Thr124=]CQDSPEKTTL